The following is an entry in ClinVar:

NM_005422.4(TECTA):c.2308C>A (p.Arg770=)

Genes: TBCEL-TECTA (TBCEL-TECTA readthrough; plus strand), TECTA (tectorin alpha; plus strand). Cytogenetic location: 11q23.3.
Variant type: single nucleotide variant.
Coding change: c.2308C>A on transcript NM_005422.4 (MANE Select); coding-DNA position 2308, C replaced by A.
Protein change: p.Arg770=; no amino-acid change (arginine 770 retained).
Molecular consequence: synonymous variant.
Genome position (GRCh38, 1-based): chr11:121,128,285, C>A. VCF-style: chr11-121128285-C-A. GRCh37 (hg19) VCF-style: chr11-120998994-C-A.
Other names: c.3265C>A, p.Arg1089= (NM_001378761.1).
Identifiers: ClinVar variation 165354 (VCV000165354.5), dbSNP rs727503458, ClinGen allele CA178091.

ClinVar aggregate classification (germline): Likely benign (1 of 4 stars; one submission).

Submission:

Laboratory for Molecular Medicine, Mass General Brigham Personalized Medicine
Classification: Likely benign. Last evaluated: 2014-01-02. Review status: criteria provided, single submitter. Criteria: LMM Criteria. Collection method: clinical testing. Allele origin: germline. Observed: 1 variant allele.
Comment: Arg770Arg in exon 8 of TECTA: This variant is not expected to have clinical sign ificance because it does not alter an amino acid residue and is not located with in the splice consensus sequence.